The following is an entry in ClinVar:

ClinVar aggregate classification (germline): Uncertain significance (1 of 4 stars; one submission).

Conditions:
Inborn genetic diseases. Identifiers: MedGen C0950123, MeSH D030342.

gnomAD v4.1: 5 of 1,612,412 alleles (0.00031%); highest among the groups gnomAD compares: Non-Finnish European, 0.00034%; no homozygotes.

Submission:

Ambry Genetics
Classification: Uncertain significance for Inborn genetic diseases. Last evaluated: 2026-01-21. Review status: criteria provided, single submitter. Criteria: Ambry Variant Classification Scheme 2023. Collection method: clinical testing. Allele origin: germline.
Comment: The c.1613G>T (p.G538V) alteration is located in exon 8 (coding exon 6) of the KLHL24 gene. This alteration results from a G to T substitution at nucleotide position 1613, causing the glycine (G) at amino acid position 538 to be replaced by a valine (V). Based on data from gnomAD, the T allele has an overall frequency of <0.001% (1/251292) total alleles studied. The highest observed frequency was 0.001% (1/113612) of European (non-Finnish) alleles. Based on insufficient or conflicting evidence, the clinical significance of this alteration remains unclear.

NM_017644.3(KLHL24):c.1613G>T (p.Gly538Val)

Gene: KLHL24 (kelch like family member 24; plus strand). Cytogenetic location: 3q27.1.
Variant type: single nucleotide variant.
Coding change: c.1613G>T on transcript NM_017644.3 (MANE Select); coding-DNA position 1613, G replaced by T.
Protein change: p.Gly538Val; replaces glycine 538 with valine.
Molecular consequence: missense variant. On other transcripts: non-coding transcript variant (2).
Genome position (GRCh38, 1-based): chr3:183,679,096, G>T. VCF-style: chr3-183679096-G-T. GRCh37 (hg19) VCF-style: chr3-183396884-G-T.
Other names: c.1688G>T, p.Gly563Val (NM_001349413.1, NM_001349414.1, NM_001349415.1 and 3 more transcripts); c.1613G>T, p.Gly538Val (NM_001349419.1, NM_001349420.1, NM_001349421.1 and 5 more transcripts); c.770G>T, p.Gly257Val (NM_001349428.1, NM_001349429.1); short protein forms G538V, G563V, G257V.
Identifiers: ClinVar variation 4832523 (VCV004832523.1).